The following is an entry in ClinVar:

NM_001005273.3(CHD3):c.3416G>A (p.Gly1139Glu)

Gene: CHD3 (chromodomain helicase DNA binding protein 3; plus strand). Cytogenetic location: 17p13.1.
Variant type: single nucleotide variant.
Coding change: c.3416G>A on transcript NM_001005273.3 (MANE Select); coding-DNA position 3416, G replaced by A.
Protein change: p.Gly1139Glu; replaces glycine 1139 with glutamic acid.
Molecular consequence: missense variant.
Genome position (GRCh38, 1-based): chr17:7,902,982, G>A. VCF-style: chr17-7902982-G-A. GRCh37 (hg19) VCF-style: chr17-7806300-G-A.
Other names: c.3593G>A, p.Gly1198Glu (NM_001005271.3); c.3416G>A, p.Gly1139Glu (NM_005852.4); short protein forms G1139E, G1198E.
Identifiers: ClinVar variation 3255201 (VCV003255201.1), dbSNP rs2544999100.

ClinVar aggregate classification (germline): Likely pathogenic (1 of 4 stars; one submission).

Conditions:
Snijders Blok-Campeau syndrome. Also called: INTELLECTUAL DEVELOPMENTAL DISORDER WITH MACROCEPHALY, SPEECH DELAY, AND DYSMORPHIC FACIES. Identifiers: Orphanet 599082, MedGen C4748701, MONDO:0032600, OMIM 618205.

Submission:

Victorian Clinical Genetics Services, Murdoch Childrens Research Institute
Classification: Likely pathogenic for Snijders Blok-Campeau syndrome. Last evaluated: 2023-12-21. Review status: criteria provided, single submitter. Criteria: ACMG Guidelines, 2015. Collection method: clinical testing. Allele origin: germline. Inheritance: Autosomal dominant inheritance. Affected: yes.
Comment: Based on the classification scheme VCGS_Germline_v1.3.4, this variant is classified as Likely Pathogenic. Following criteria are met: 0103 - Loss of function and gain of function are known mechanisms of disease in this gene and are associated with Snijders Blok-Campeau syndrome (MIM#618205), however no clear genotype-phenotype correlations have been identified to determine how both overactivity and underactivity of CHD3 can result in the same phenotype (PMID: 32483341). (I) 0107 - This gene is associated with autosomal dominant disease. (I) 0115 - Variants in this gene are known to have variable expressivity. Variants have been reported to be inherited from mildly affected parents (PMID: 35346573). (I) 0200 - Variant is predicted to result in a missense amino acid change from glycine to glutamic acid. (I) 0251 - This variant is heterozygous. (I) 0301 - Variant is absent from gnomAD (both v2 and v3). (SP) 0502 - Missense variant with conflicting in silico predictions and uninformative conservation. (I) 0600 - Variant is located in the annotated helicase conserved C-terminal domain (DECIPHER). (I) 0705 - No comparable missense variants have previous evidence for pathogenicity. (I) 0807 - This variant has no previous evidence of pathogenicity. (I) 0905 - No published segregation evidence has been identified for this variant. (I) 1007 - No published functional evidence has been identified for this variant. (SP) Legend: (SP) - Supporting pathogenic, (I) - Information, (SB) - Supporting benign

Literature cited by the submitters: PubMed 32483341; PubMed 35346573.